The following is an entry in ClinVar:

ClinVar aggregate classification (germline): Uncertain significance (1 of 4 stars; one submission).

Conditions:
Hereditary cancer-predisposing syndrome. Also called: Tumor predisposition; Hereditary neoplastic syndrome; Neoplastic Syndromes, Hereditary; Hereditary Cancer Syndrome. Identifiers: Orphanet 140162, MedGen C0027672, MeSH D009386, MONDO:0015356.

Submission:

Ambry Genetics
Classification: Uncertain significance for Hereditary cancer-predisposing syndrome. Last evaluated: 2025-04-01. Review status: criteria provided, single submitter. Criteria: Ambry Variant Classification Scheme 2023. Collection method: clinical testing. Allele origin: germline.
Comment: The p.A1159G variant (also known as c.3476C>G), located in coding exon 19 of the BRIP1 gene, results from a C to G substitution at nucleotide position 3476. The alanine at codon 1159 is replaced by glycine, an amino acid with similar properties. This amino acid position is conserved. In addition, this alteration is predicted to be tolerated by in silico analysis. Based on the available evidence, the clinical significance of this variant remains unclear.

NM_032043.3(BRIP1):c.3476C>G (p.Ala1159Gly)

Gene: BRIP1 (BRCA1 interacting DNA helicase 1; minus strand). Cytogenetic location: 17q23.2.
Variant type: single nucleotide variant.
Coding change: c.3476C>G on transcript NM_032043.3 (MANE Select); coding-DNA position 3476, C replaced by G.
Protein change: p.Ala1159Gly; replaces alanine 1159 with glycine.
Molecular consequence: missense variant.
Genome position (GRCh38, 1-based): chr17:61,683,570, G>C on the plus strand (C>G on the coding strand, the complement: BRIP1 is on the minus strand). VCF-style: chr17-61683570-G-C. GRCh37 (hg19) VCF-style: chr17-59760931-G-C.
Other names: short protein forms A1159G.
Identifiers: ClinVar variation 3993133 (VCV003993133.1).